The following is an entry in ClinVar:

ClinVar aggregate classification (germline): Uncertain significance (1 of 4 stars; one submission).

Conditions:
Neutropenia, severe congenital, 1, autosomal dominant. Identifiers: MedGen C1859966, MONDO:0042490, OMIM 202700.
Cyclical neutropenia. Also called: Cyclic hematopoiesis; Cyclic Neutropenia. Identifiers: Orphanet 2686, MedGen C0221023, MONDO:0008090, OMIM 162800, HP:0040289. Disease mechanism: loss of function.

Submission:

Labcorp Genetics (formerly Invitae), Labcorp
Classification: Uncertain significance for Neutropenia, severe congenital, 1, autosomal dominant; Cyclical neutropenia. Last evaluated: 2019-05-10. Review status: criteria provided, single submitter. Criteria: Invitae Variant Classification Sherloc (09022015). Collection method: clinical testing. Allele origin: germline.
Comment: In summary, the available evidence is currently insufficient to determine the role of this variant in disease. Therefore, it has been classified as a Variant of Uncertain Significance. Algorithms developed to predict the effect of missense changes on protein structure and function (SIFT, PolyPhen-2, Align-GVGD) all suggest that this variant is likely to be disruptive, but these predictions have not been confirmed by published functional studies and their clinical significance is uncertain. This variant has not been reported in the literature in individuals with ELANE-related conditions. This variant is not present in population databases (ExAC no frequency). This sequence change replaces tryptophan with serine at codon 156 of the ELANE protein (p.Trp156Ser). The tryptophan residue is highly conserved and there is a large physicochemical difference between tryptophan and serine.

NM_001972.4(ELANE):c.467G>C (p.Trp156Ser)

Gene: ELANE (elastase, neutrophil expressed; plus strand). Cytogenetic location: 19p13.3.
Variant type: single nucleotide variant.
Coding change: c.467G>C on transcript NM_001972.4 (MANE Select); coding-DNA position 467, G replaced by C.
Protein change: p.Trp156Ser; replaces tryptophan 156 with serine.
Molecular consequence: missense variant.
Genome position (GRCh38, 1-based): chr19:855,664, G>C. VCF-style: chr19-855664-G-C. GRCh37 (hg19) VCF-style: chr19-855664-G-C.
Other names: short protein forms W156S.
Identifiers: ClinVar variation 951466 (VCV000951466.12), dbSNP rs2035666353, ClinGen allele CA402918203.